The following is an entry in ClinVar:

ClinVar aggregate classification (germline): Uncertain significance. Review status: criteria provided, multiple submitters, no conflicts (2 of 4 stars). 2 submissions from 2 submitters: Uncertain significance (2). Last evaluated 2025-08-20.

Conditions:
CYP27A1-related disorder. Also called: CYP27A1-related condition.
Cholestanol storage disease (CTX). Also called: Cerebrotendinous Xanthomatosis; CEREBRAL CHOLESTERINOSIS; CTX: Cerebrotendinous xanthomatosis. Identifiers: Orphanet 909, MedGen C0238052, MONDO:0008948, OMIM 213700.

Allele frequency attached by ClinVar (database versions not stated): gnomAD exomes below 0.00001.
gnomAD v4.1: 3 of 1,614,132 alleles (0.00019%); highest among the groups gnomAD compares: Admixed American, 0.0033%; no homozygotes.

Submissions (2):

PreventionGenetics, part of Exact Sciences
Classification: Uncertain significance for CYP27A1-related condition. Last evaluated: 2025-08-20. Review status: criteria provided, single submitter. Criteria: ACMG Guidelines, 2015. Collection method: clinical testing. Allele origin: germline.
Comment: The CYP27A1 c.332C>A variant is predicted to result in the amino acid substitution p.Ala111Asp. To our knowledge, this variant has not been reported in the literature or in a large population database (gnomAD), indicating this variant is rare. At this time, the clinical significance of this variant is uncertain due to the absence of conclusive functional and genetic evidence.

Labcorp Genetics (formerly Invitae), Labcorp
Classification: Uncertain significance for Cholestanol storage disease. Last evaluated: 2023-09-19. Review status: criteria provided, single submitter. Criteria: Invitae Variant Classification Sherloc (09022015). Collection method: clinical testing. Allele origin: germline.
Comment: This sequence change replaces alanine, which is neutral and non-polar, with aspartic acid, which is acidic and polar, at codon 111 of the CYP27A1 protein (p.Ala111Asp). This variant is not present in population databases (gnomAD no frequency). This variant has not been reported in the literature in individuals affected with CYP27A1-related conditions. ClinVar contains an entry for this variant (Variation ID: 1940507). Advanced modeling of protein sequence and biophysical properties (such as structural, functional, and spatial information, amino acid conservation, physicochemical variation, residue mobility, and thermodynamic stability) performed at Invitae indicates that this missense variant is not expected to disrupt CYP27A1 protein function. In summary, the available evidence is currently insufficient to determine the role of this variant in disease. Therefore, it has been classified as a Variant of Uncertain Significance.

NM_000784.4(CYP27A1):c.332C>A (p.Ala111Asp)

Gene: CYP27A1 (cytochrome P450 family 27 subfamily A member 1; plus strand). Cytogenetic location: 2q35.
Variant type: single nucleotide variant.
Coding change: c.332C>A on transcript NM_000784.4 (MANE Select); coding-DNA position 332, C replaced by A.
Protein change: p.Ala111Asp; replaces alanine 111 with aspartic acid.
Molecular consequence: missense variant.
Genome position (GRCh38, 1-based): chr2:218,809,653, C>A. VCF-style: chr2-218809653-C-A. GRCh37 (hg19) VCF-style: chr2-219674376-C-A.
Other names: c.332C>A (NM_000784.3); short protein forms A111D.
Identifiers: ClinVar variation 1940507 (VCV001940507.5), dbSNP rs1441761338, ClinGen allele CA350583272.
Genomic context (GRCh38, chr2:218,809,653, plus strand): 5'-AGTACGGTCCAATGTGGATGTCCTACTTAGGGCCTCAGATGCACGTGAACCTGGCCAGTG[C>A]CCCGCTCTTGGAGCAAGTGATGCGGCAAGAGGGCAAGTACCCAGTACGGAACGACATGGA-3'
Protein context (NP_000775.1, residues 101-121): GPQMHVNLAS[Ala111Asp]PLLEQVMRQE